The following is an entry in ClinVar:

NM_024884.3(L2HGDH):c.6G>T (p.Val2=)

Genes: DMAC2L (distal membrane arm assembly component 2 like; plus strand), L2HGDH (L-2-hydroxyglutarate dehydrogenase; minus strand). Cytogenetic location: 14q21.3.
Variant type: single nucleotide variant.
Coding change: c.6G>T on transcript NM_024884.3 (MANE Select); coding-DNA position 6, G replaced by T.
Protein change: p.Val2=; no amino-acid change (valine 2 retained).
Molecular consequence: synonymous variant.
Genome position (GRCh38, 1-based): chr14:50,312,145, C>A on the plus strand (G>T on the coding strand, the complement: L2HGDH is on the minus strand). VCF-style: chr14-50312145-C-A. GRCh37 (hg19) VCF-style: chr14-50778863-C-A.
Identifiers: ClinVar variation 211349 (VCV000211349.49), dbSNP rs113626637, ClinGen allele CA207155.
Genomic context (GRCh38, chr14:50,312,145, plus strand): 5'-GCCACCGGCGAAAAGCCCGCGGGCCCGTCCGCAGGCACCAACCAAATAACGCAGCGCTGG[C>A]ACCATCCCCTACGCACGCTCCCCTCCCTCAGCGCTCAGAAGAAGCCACTTGACCCTCCAC-3'
Protein context (NP_079160.1, residues 1-12): M[Val2=]PALRYLVGAC

ClinVar aggregate classification (germline): Benign/Likely benign. Review status: criteria provided, multiple submitters, no conflicts (2 of 4 stars). 7 submissions from 7 submitters: Benign (2); Likely benign (4). 1 of the submissions does not count toward it. Last evaluated 2026-09-01.

Conditions:
L-2-hydroxyglutaric aciduria (L2HGA). Identifiers: Orphanet 79314, MedGen C1855995, MONDO:0009370, OMIM 236792, HP:0040144.

Allele frequency attached by ClinVar (database versions not stated): 1000 Genomes Project 0.00020; 1000 Genomes Project 30x 0.00047; gnomAD exomes 0.00274 and 0.00559; ExAC 0.00285; gnomAD 0.00307 and 0.00324; TOPMed 0.00320; ESP Exome Variant Server 0.00416.
gnomAD v4.1: 8,475 of 1,610,192 alleles (0.53%); highest among the groups gnomAD compares: Non-Finnish European, 0.68%; 32 homozygotes.

Submissions (7):

CeGaT Center for Human Genetics Tuebingen
Classification: Likely benign. Last evaluated: 2026-09-01. Review status: criteria provided, single submitter. Criteria: CeGaT Center For Human Genetics Tuebingen Variant Classification Criteria Version 2. Collection method: clinical testing. Allele origin: germline. Affected: yes. Observed: 11 variant alleles.
Comment: L2HGDH: BP4, BP7, BS2

Labcorp Genetics (formerly Invitae), Labcorp
Classification: Benign for L-2-hydroxyglutaric aciduria. Last evaluated: 2026-01-20. Review status: criteria provided, single submitter. Criteria: Invitae Variant Classification Sherloc (09022015). Collection method: clinical testing. Allele origin: germline.

Fulgent Genetics
Classification: Likely benign for L-2-hydroxyglutaric aciduria. Last evaluated: 2021-08-31. Review status: criteria provided, single submitter. Criteria: ACMG Guidelines, 2015. Collection method: clinical testing. Allele origin: unknown.

Genetic Services Laboratory, University of Chicago
Classification: Likely benign. Last evaluated: 2016-10-14. Review status: criteria provided, single submitter. Criteria: ACMG Guidelines, 2015. Collection method: clinical testing. Allele origin: germline. Affected: no.

Eurofins Ntd Llc (ga)
Classification: Benign. Last evaluated: 2015-10-12. Review status: criteria provided, single submitter. Criteria: EGL Classification Definitions 2015. Collection method: clinical testing. Allele origin: germline. Observed: 1 variant allele, 1 heterozygote.

Breakthrough Genomics
Classification: Likely benign. Review status: criteria provided, single submitter. Criteria: ACMG Guidelines, 2015. Collection method: not provided. Allele origin: germline. Inheritance: Autosomal recessive inheritance. Affected: yes.

Mayo Clinic Laboratories, Mayo Clinic
Classification: Likely benign. Last evaluated: 2016-02-26. Review status: no assertion criteria provided. Collection method: clinical testing. Allele origin: unknown. Not counted in ClinVar's aggregate classification.